The following is an entry in ClinVar:

ClinVar aggregate classification (germline): Uncertain significance (1 of 4 stars; one submission).

Submission:

Labcorp Genetics (formerly Invitae), Labcorp
Classification: Uncertain significance. Last evaluated: 2024-10-31. Review status: criteria provided, single submitter. Criteria: Invitae Variant Classification Sherloc (09022015). Collection method: clinical testing. Allele origin: germline.
Comment: This sequence change replaces serine, which is neutral and polar, with phenylalanine, which is neutral and non-polar, at codon 270 of the MOCS3 protein (p.Ser270Phe). This variant is present in population databases (rs752379138, gnomAD 0.0009%). This variant has not been reported in the literature in individuals affected with MOCS3-related conditions. An algorithm developed to predict the effect of missense changes on protein structure and function (PolyPhen-2) suggests that this variant is likely to be disruptive. In summary, the available evidence is currently insufficient to determine the role of this variant in disease. Therefore, it has been classified as a Variant of Uncertain Significance.

NM_014484.5(MOCS3):c.809C>T (p.Ser270Phe)

Gene: MOCS3 (molybdenum cofactor synthesis 3; plus strand). Cytogenetic location: 20q13.13.
Variant type: single nucleotide variant.
Coding change: c.809C>T on transcript NM_014484.5 (MANE Select); coding-DNA position 809, C replaced by T.
Protein change: p.Ser270Phe; replaces serine 270 with phenylalanine.
Molecular consequence: missense variant.
Genome position (GRCh38, 1-based): chr20:50,959,651, C>T. VCF-style: chr20-50959651-C-T. GRCh37 (hg19) VCF-style: chr20-49576188-C-T.
Other names: short protein forms S270F.
Identifiers: ClinVar variation 3617800 (VCV003617800.2).